The following is an entry in ClinVar:

ClinVar aggregate classification (germline): Uncertain significance (1 of 4 stars; one submission).

Conditions:
Atrioventricular septal defect 5 (AVSD5). Identifiers: MedGen C3280939, MONDO:0013769, OMIM 614474.

Submission:

Labcorp Genetics (formerly Invitae), Labcorp
Classification: Uncertain significance for Atrioventricular septal defect 5. Last evaluated: 2023-04-24. Review status: criteria provided, single submitter. Criteria: Invitae Variant Classification Sherloc (09022015). Collection method: clinical testing. Allele origin: germline.
Comment: In summary, the available evidence is currently insufficient to determine the role of this variant in disease. Therefore, it has been classified as a Variant of Uncertain Significance. Advanced modeling of protein sequence and biophysical properties (such as structural, functional, and spatial information, amino acid conservation, physicochemical variation, residue mobility, and thermodynamic stability) performed at Invitae indicates that this missense variant is not expected to disrupt GATA6 protein function. ClinVar contains an entry for this variant (Variation ID: 1717148). This variant has not been reported in the literature in individuals affected with GATA6-related conditions. This variant is not present in population databases (gnomAD no frequency). This sequence change replaces glycine, which is neutral and non-polar, with arginine, which is basic and polar, at codon 211 of the GATA6 protein (p.Gly211Arg).

NM_005257.6(GATA6):c.631G>C (p.Gly211Arg)

Gene: GATA6 (GATA binding protein 6; plus strand). Cytogenetic location: 18q11.2.
Variant type: single nucleotide variant.
Coding change: c.631G>C on transcript NM_005257.6 (MANE Select); coding-DNA position 631, G replaced by C.
Protein change: p.Gly211Arg; replaces glycine 211 with arginine.
Molecular consequence: missense variant.
Genome position (GRCh38, 1-based): chr18:22,171,775, G>C. VCF-style: chr18-22171775-G-C. GRCh37 (hg19) VCF-style: chr18-19751736-G-C.
Other names: short protein forms G211R.
Identifiers: ClinVar variation 1717148 (VCV001717148.5), dbSNP rs1375177355, ClinGen allele CA401800252.
Genomic context (GRCh38, chr18:22,171,775, plus strand): 5'-ACCACCCGCGTGGGTTCCATGCTGCCCGGCCTACCGTACCACCTGCAGGGGTCGGGCAGT[G>C]GGCCAGCCAACCACGCGGGCGGCGCGGGCGCGCACCCCGGCTGGCCTCAGGCCTCGGCCG-3'
Protein context (NP_005248.2, residues 201-221): LPYHLQGSGS[Gly211Arg]PANHAGGAGA